The following is an entry in ClinVar:

NM_000465.4(BARD1):c.1473G>T (p.Gly491=)

Gene: BARD1 (BRCA1 associated RING domain 1; minus strand). Cytogenetic location: 2q35.
Variant type: single nucleotide variant.
Coding change: c.1473G>T on transcript NM_000465.4 (MANE Select); coding-DNA position 1473, G replaced by T.
Protein change: p.Gly491=; no amino-acid change (glycine 491 retained).
Molecular consequence: synonymous variant. On other transcripts: non-coding transcript variant (3), intron variant (3).
Genome position (GRCh38, 1-based): chr2:214,767,577, C>A on the plus strand (G>T on the coding strand, the complement: BARD1 is on the minus strand). VCF-style: chr2-214767577-C-A. GRCh37 (hg19) VCF-style: chr2-215632301-C-A.
Other names: c.159-15022G>T (NM_001282548.2); c.364+24720G>T (NM_001282549.2); c.1416G>T, p.Gly472= (NM_001282543.2); c.216-15022G>T (NM_001282545.2).
Identifiers: ClinVar variation 630853 (VCV000630853.15), dbSNP rs151080730, ClinGen allele CA431129503.

ClinVar aggregate classification (germline): Benign/Likely benign. Review status: criteria provided, multiple submitters, no conflicts (2 of 4 stars). 4 submissions from 4 submitters: Benign (1); Likely benign (3). Last evaluated 2025-09-14.

Conditions:
Hereditary cancer-predisposing syndrome. Also called: Tumor predisposition; Neoplastic Syndromes, Hereditary; Hereditary neoplastic syndrome; Hereditary Cancer Syndrome. Identifiers: Orphanet 140162, MedGen C0027672, MeSH D009386, MONDO:0015356.
Familial cancer of breast. Also called: hereditary breast carcinoma; BREAST CANCER, FAMILIAL; Hereditary breast cancer. Identifiers: Orphanet 227535, MedGen C0346153, MONDO:0016419, OMIM 114480. Disease mechanism: loss of function.

Submissions (4):

Labcorp Genetics (formerly Invitae), Labcorp
Classification: Likely benign for Familial cancer of breast. Last evaluated: 2025-09-14. Review status: criteria provided, single submitter. Criteria: Invitae Variant Classification Sherloc (09022015). Collection method: clinical testing. Allele origin: germline.

Myriad Genetics, Inc.
Classification: Benign for Familial cancer of breast. Last evaluated: 2024-07-25. Review status: criteria provided, single submitter. Criteria: Myriad Autosomal Dominant, Autosomal Recessive and X-Linked Classification Criteria (2023). Collection method: clinical testing. Allele origin: unknown.
Comment: This variant is considered benign. This variant is a silent/synonymous amino acid change and it is not expected to impact splicing.

Ambry Genetics
Classification: Likely benign for Hereditary cancer-predisposing syndrome. Last evaluated: 2020-04-15. Review status: criteria provided, single submitter. Criteria: Ambry Variant Classification Scheme 2023. Collection method: clinical testing. Allele origin: germline.

Color Diagnostics, LLC DBA Color Health
Classification: Likely benign for Hereditary cancer-predisposing syndrome. Last evaluated: 2017-11-22. Review status: criteria provided, single submitter. Criteria: ACMG Guidelines, 2015. Collection method: clinical testing. Allele origin: germline.